The following is an entry in ClinVar:

ClinVar aggregate classification (germline): Likely benign (1 of 4 stars; one submission).

Conditions:
Birt-Hogg-Dube syndrome 1 (BHD1). Also called: FIBROFOLLICULOMAS WITH TRICHODISCOMAS AND ACROCHORDONS. Identifiers: Orphanet 122, MedGen CN375946, MONDO:0800445, OMIM 135150.

Submission:

Myriad Genetics, Inc.
Classification: Likely benign for Birt-Hogg-Dube syndrome 1. Last evaluated: 2024-10-24. Review status: criteria provided, single submitter. Criteria: Myriad Autosomal Dominant, Autosomal Recessive and X-Linked Classification Criteria (2023). Collection method: clinical testing. Allele origin: unknown.
Comment: This variant is considered likely benign. This variant is intronic and is not expected to impact mRNA splicing.

NM_144997.7(FLCN):c.1063-16G>C

Gene: FLCN (folliculin; minus strand). Cytogenetic location: 17p11.2.
Variant type: single nucleotide variant.
Coding change: c.1063-16G>C on transcript NM_144997.7 (MANE Select); 16 bases into the intron before coding-DNA position 1063, G replaced by C.
Molecular consequence: intron variant.
Genome position (GRCh38, 1-based): chr17:17,217,198, C>G on the plus strand (G>C on the coding strand, the complement: FLCN is on the minus strand). VCF-style: chr17-17217198-C-G. GRCh37 (hg19) VCF-style: chr17-17120512-C-G.
Other names: c.1063-16G>C (NM_001353231.2, NM_001353230.2); c.1117-16G>C (NM_001353229.2).
Identifiers: ClinVar variation 3773194 (VCV003773194.1).